The following is an entry in ClinVar:

NM_173630.4(RTTN):c.3032G>T (p.Cys1011Phe)

Gene: RTTN (rotatin; minus strand). Cytogenetic location: 18q22.2.
Variant type: single nucleotide variant.
Coding change: c.3032G>T on transcript NM_173630.4 (MANE Select); coding-DNA position 3032, G replaced by T.
Protein change: p.Cys1011Phe; replaces cysteine 1011 with phenylalanine.
Molecular consequence: missense variant.
Genome position (GRCh38, 1-based): chr18:70,128,469, C>A on the plus strand (G>T on the coding strand, the complement: RTTN is on the minus strand). VCF-style: chr18-70128469-C-A. GRCh37 (hg19) VCF-style: chr18-67795705-C-A.
Other names: c.296G>T, p.Cys99Phe (NM_001318520.2); short protein forms C1011F, C99F.
Identifiers: ClinVar variation 2662505 (VCV002662505.2), dbSNP rs2512514371, ClinGen allele CA402694814.

ClinVar aggregate classification (germline): Uncertain significance. Review status: criteria provided, multiple submitters, no conflicts (2 of 4 stars). 2 submissions from 2 submitters: Uncertain significance (2). Last evaluated 2025-02-08.

Conditions:
Inborn genetic diseases. Identifiers: MedGen C0950123, MeSH D030342.

Allele frequency attached by ClinVar (database versions not stated): gnomAD exomes below 0.00001.
gnomAD v4.1: 1 of 1,613,236 alleles (0.000062%); highest among the groups gnomAD compares: Non-Finnish European, 0.000085%; no homozygotes.

Submissions (2):

Ambry Genetics
Classification: Uncertain significance for Inborn genetic diseases. Last evaluated: 2025-02-08. Review status: criteria provided, single submitter. Criteria: Ambry Variant Classification Scheme 2023. Collection method: clinical testing. Allele origin: germline.

GeneDx
Classification: Uncertain significance. Last evaluated: 2023-04-05. Review status: criteria provided, single submitter. Criteria: GeneDx Variant Classification Process June 2021. Collection method: clinical testing. Allele origin: germline. Affected: yes.
Comment: Not observed at significant frequency in large population cohorts (gnomAD); In silico analysis supports that this missense variant does not alter protein structure/function; Has not been previously published as pathogenic or benign to our knowledge